The following is an entry in ClinVar:

NM_001301202.2(RASAL1):c.1807T>C (p.Phe603Leu)

Gene: RASAL1 (RAS protein activator like 1; minus strand). Cytogenetic location: 12q24.13.
Variant type: single nucleotide variant.
Coding change: c.1807T>C on transcript NM_001301202.2 (MANE Select); coding-DNA position 1807, T replaced by C.
Protein change: p.Phe603Leu; replaces phenylalanine 603 with leucine.
Molecular consequence: missense variant.
Genome position (GRCh38, 1-based): chr12:113,105,737, A>G on the plus strand (T>C on the coding strand, the complement: RASAL1 is on the minus strand). VCF-style: chr12-113105737-A-G. GRCh37 (hg19) VCF-style: chr12-113543542-A-G.
Other names: c.1810T>C, p.Phe604Leu (NM_001193520.2, NM_001394081.1); c.1804T>C, p.Phe602Leu (NM_001193521.3, NM_001394085.1, NM_004658.3); c.1807T>C, p.Phe603Leu (NM_001394082.1, NM_001394083.1, NM_001394084.1 and 1 more transcripts); c.1618T>C, p.Phe540Leu (NM_001394087.1); c.1444T>C, p.Phe482Leu (NM_001394088.1); c.1141T>C, p.Phe381Leu (NM_001394089.1); short protein forms F602L, F604L, F603L, F381L, F482L, F540L.
Identifiers: ClinVar variation 218644 (VCV000218644.41), dbSNP rs142556970, ClinGen allele CA249324.

ClinVar aggregate classification (germline): Benign/Likely benign. Review status: criteria provided, multiple submitters, no conflicts (2 of 4 stars). 3 submissions from 3 submitters: Benign (1); Likely benign (2). Last evaluated 2022-05-01.

Allele frequency attached by ClinVar (database versions not stated): 1000 Genomes Project 0.00100; 1000 Genomes Project 30x 0.00141; gnomAD 0.00180 and 0.00184; TOPMed 0.00211; ESP Exome Variant Server 0.00215; gnomAD exomes 0.00237 and 0.00245; ExAC 0.00263.

Submissions (3):

CeGaT Center for Human Genetics Tuebingen
Classification: Benign. Last evaluated: 2022-05-01. Review status: criteria provided, single submitter. Criteria: CeGaT Center For Human Genetics Tuebingen Variant Classification Criteria Version 2. Collection method: clinical testing. Allele origin: germline. Affected: yes. Observed: 1 variant allele.
Comment: RASAL1: BS1, BS2

Labcorp Genetics (formerly Invitae), Labcorp
Classification: Likely benign. Last evaluated: 2018-05-03. Review status: criteria provided, single submitter. Criteria: Invitae Variant Classification Sherloc (09022015). Collection method: clinical testing. Allele origin: germline.

Genomic Diagnostic Laboratory, Division of Genomic Diagnostics, Children's Hospital of Philadelphia
Classification: Likely benign. Last evaluated: 2015-06-19. Review status: criteria provided, single submitter. Criteria: DGD Variant Analysis Guidelines. Collection method: clinical testing. Allele origin: unknown.